The following is an entry in ClinVar:

NM_003482.4(KMT2D):c.11257A>G (p.Ile3753Val)

Gene: KMT2D (lysine methyltransferase 2D; minus strand). Cytogenetic location: 12q13.12.
Variant type: single nucleotide variant.
Coding change: c.11257A>G on transcript NM_003482.4 (MANE Select); coding-DNA position 11257, A replaced by G.
Protein change: p.Ile3753Val; replaces isoleucine 3753 with valine.
Molecular consequence: missense variant.
Genome position (GRCh38, 1-based): chr12:49,033,448, T>C on the plus strand (A>G on the coding strand, the complement: KMT2D is on the minus strand). VCF-style: chr12-49033448-T-C. GRCh37 (hg19) VCF-style: chr12-49427231-T-C.
Other names: short protein forms I3753V.
Identifiers: ClinVar variation 3574706 (VCV003574706.4).
Genomic context (GRCh38, chr12:49,033,448, plus strand): 5'-GCTTGGGACCCAGAGCTTGGTTTGTCTGTACTCCAGGACCCTGCTGCTGTTGCTGCTGGA[T>C]TGCCACCTGTCCTAGAAGGTGCTGCTGCTGCTGTTGCTGCTGCTGCTGCTGCTGCAGTTT-3'
Protein context (NP_003473.3, residues 3743-3763): QQQHLLGQVA[Ile3753Val]QQQQQQGPGV

ClinVar aggregate classification (germline): Conflicting classifications of pathogenicity. Review status: criteria provided, conflicting classifications (1 of 4 stars). 3 submissions from 3 submitters: Uncertain significance (2); Benign (1). Last evaluated 2026-06-08.

Conditions:
Kabuki syndrome. Also called: NIIKAWA-KUROKI SYNDROME; Kabuki make-up syndrome. Identifiers: Orphanet 2322, MedGen C0796004, MONDO:0016512.
KMT2D-related disorder. Also called: KMT2D-Related Disorders.
Kabuki syndrome 1 (KABUK1). Also called: KMT2D-Related Kabuki Syndrome. Identifiers: Orphanet 2322, MedGen CN030661, MONDO:0007843, OMIM 147920.
Choanal atresia-athelia-hypothyroidism-delayed puberty-short stature syndrome (BCAHH). Also called: BRANCHIAL ARCH ABNORMALITIES, CHOANAL ATRESIA, ATHELIA, HEARING LOSS, AND HYPOTHYROIDISM SYNDROME. Identifiers: Orphanet 589856, MedGen C5680310, MONDO:0035651, OMIM 620186.

gnomAD v4.1: 7 of 1,596,556 alleles (0.00044%); highest among the groups gnomAD compares: Admixed American, 0.0053%; no homozygotes.

Submissions (3):

PreventionGenetics, part of Exact Sciences
Classification: Uncertain significance for KMT2D-related condition. Last evaluated: 2026-06-08. Review status: criteria provided, single submitter. Criteria: ACMG Guidelines, 2015. Collection method: clinical testing. Allele origin: germline.
Comment: The KMT2D c.11257A>G variant is predicted to result in the amino acid substitution p.Ile3753Val. To our knowledge, this variant has not been reported in the literature. This variant is reported in 0.0099% of alleles in individuals of Latino descent in gnomAD. At this time, the clinical significance of this variant is uncertain due to the absence of conclusive functional and genetic evidence.

Labcorp Genetics (formerly Invitae), Labcorp
Classification: Benign for Kabuki syndrome. Last evaluated: 2024-07-20. Review status: criteria provided, single submitter. Criteria: Invitae Variant Classification Sherloc (09022015). Collection method: clinical testing. Allele origin: germline.

Fulgent Genetics
Classification: Uncertain significance for Kabuki syndrome 1; Choanal atresia-athelia-hypothyroidism-delayed puberty-short stature syndrome. Last evaluated: 2024-02-12. Review status: criteria provided, single submitter. Criteria: ACMG Guidelines, 2015. Collection method: clinical testing. Allele origin: germline.